The following is an entry in ClinVar:

NM_003952.3(RPS6KB2):c.917G>T (p.Arg306Leu)

Gene: RPS6KB2 (ribosomal protein S6 kinase B2; plus strand). Cytogenetic location: 11q13.2.
Variant type: single nucleotide variant.
Coding change: c.917G>T on transcript NM_003952.3 (MANE Select); coding-DNA position 917, G replaced by T.
Protein change: p.Arg306Leu; replaces arginine 306 with leucine.
Molecular consequence: missense variant.
Genome position (GRCh38, 1-based): chr11:67,434,005, G>T. VCF-style: chr11-67434005-G-T. GRCh37 (hg19) VCF-style: chr11-67201476-G-T.
Other names: short protein forms R306L.
Identifiers: ClinVar variation 3035014 (VCV003035014.3), dbSNP rs201850616, ClinGen allele CA6138569.

ClinVar aggregate classification (germline): Uncertain significance. Review status: criteria provided, single submitter (1 of 4 stars). 2 submissions from 2 submitters: Uncertain significance (1). 1 of the submissions does not count toward it. Last evaluated 2025-08-09.

Conditions:
RPS6KB2-related disorder. Also called: RPS6KB2-related condition.

Allele frequency attached by ClinVar (database versions not stated): 1000 Genomes Project 30x 0.00109; 1000 Genomes Project 0.00120.
gnomAD v4.1: 248 of 1,614,134 alleles (0.015%); highest among the groups gnomAD compares: Admixed American, 0.36%; 1 homozygote.

Submissions (2):

Ambry Genetics
Classification: Uncertain significance. Last evaluated: 2025-08-09. Review status: criteria provided, single submitter. Criteria: Ambry Variant Classification Scheme 2023. Collection method: clinical testing. Allele origin: germline.

PreventionGenetics, part of Exact Sciences
Classification: Likely benign for RPS6KB2-related condition. Last evaluated: 2022-12-27. Review status: no assertion criteria provided. Collection method: clinical testing. Allele origin: germline. Not counted in ClinVar's aggregate classification.
Comment: This variant is classified as likely benign based on ACMG/AMP sequence variant interpretation guidelines (Richards et al. 2015 PMID: 25741868, with internal and published modifications).